The following is an entry in ClinVar:

ClinVar aggregate classification (germline): Uncertain significance (1 of 4 stars; one submission).

Conditions:
Aortic aneurysm, familial thoracic 8 (AAT8). Identifiers: MedGen C3809513, MONDO:0014187, OMIM 615436.

Allele frequency attached by ClinVar (database versions not stated): gnomAD exomes below 0.00001.
gnomAD v4.1: 1 of 1,613,512 alleles (0.000062%); highest among the groups gnomAD compares: Non-Finnish European, 0.000085%; no homozygotes.

Submission:

Labcorp Genetics (formerly Invitae), Labcorp
Classification: Uncertain significance for Aortic aneurysm, familial thoracic 8. Last evaluated: 2022-01-16. Review status: criteria provided, single submitter. Criteria: Invitae Variant Classification Sherloc (09022015). Collection method: clinical testing. Allele origin: germline.
Comment: Algorithms developed to predict the effect of missense changes on protein structure and function (SIFT, PolyPhen-2, Align-GVGD) all suggest that this variant is likely to be tolerated. This variant has not been reported in the literature in individuals affected with PRKG1-related conditions. This variant is not present in population databases (gnomAD no frequency). This sequence change replaces alanine, which is neutral and non-polar, with valine, which is neutral and non-polar, at codon 85 of the PRKG1 protein (p.Ala85Val). In summary, the available evidence is currently insufficient to determine the role of this variant in disease. Therefore, it has been classified as a Variant of Uncertain Significance.

NM_006258.4(PRKG1):c.254C>T (p.Ala85Val)

Gene: PRKG1 (protein kinase cGMP-dependent 1; plus strand). Cytogenetic location: 10q11.23.
Variant type: single nucleotide variant.
Coding change: c.254C>T on transcript NM_006258.4 (MANE Select); coding-DNA position 254, C replaced by T.
Protein change: p.Ala85Val; replaces alanine 85 with valine.
Molecular consequence: missense variant. On other transcripts: intron variant (1).
Genome position (GRCh38, 1-based): chr10:51,074,844, C>T. VCF-style: chr10-51074844-C-T. GRCh37 (hg19) VCF-style: chr10-52834604-C-T.
Other names: c.254C>T, p.Ala85Val (NM_001374782.1); c.267-78320C>T (NM_001098512.3); short protein forms A85V.
Identifiers: ClinVar variation 1969677 (VCV001969677.5), dbSNP rs2493152723, ClinGen allele CA376827132.